The following is an entry in ClinVar:

ClinVar aggregate classification (germline): Uncertain significance (1 of 4 stars; one submission).

Conditions:
Familial cancer of breast. Also called: BREAST CANCER, FAMILIAL; hereditary breast carcinoma; Hereditary breast cancer. Identifiers: Orphanet 227535, MedGen C0346153, MONDO:0016419, OMIM 114480. Disease mechanism: loss of function.

Submission:

Labcorp Genetics (formerly Invitae), Labcorp
Classification: Uncertain significance for Familial cancer of breast. Last evaluated: 2024-11-19. Review status: criteria provided, single submitter. Criteria: Invitae Variant Classification Sherloc (09022015). Collection method: clinical testing. Allele origin: germline.
Comment: This variant, c.1249_1251del, results in the deletion of 1 amino acid(s) of the CHEK2 protein (p.Leu417del), but otherwise preserves the integrity of the reading frame. This variant is not present in population databases (gnomAD no frequency). This variant has been observed in individual(s) with prostate cancer (PMID: 31214711). Experimental studies and prediction algorithms are not available or were not evaluated, and the functional significance of this variant is currently unknown. In summary, the available evidence is currently insufficient to determine the role of this variant in disease. Therefore, it has been classified as a Variant of Uncertain Significance.

Literature cited by the submitters: PubMed 31214711.

NM_007194.4(CHEK2):c.1249_1251del (p.Leu417del)

Gene: CHEK2 (checkpoint kinase 2; minus strand). Cytogenetic location: 22q12.1.
Variant type: Deletion.
Coding change: c.1249_1251del on transcript NM_007194.4 (MANE Select); coding-DNA positions 1249 to 1251, 3 bases deleted (CTT; older notation c.1249_1251delCTT).
Protein change: p.Leu417del; deletes leucine 417.
Molecular consequence: inframe deletion. On other transcripts: inframe indel (4).
Genome position (GRCh38, 1-based): chr22:28,695,718-28,695,720, AAG deleted on the plus strand (CTT on the coding strand, the reverse complement: CHEK2 is on the minus strand); deleting any 3 consecutive bases within chr22:28,695,718-28,695,722 gives the same sequence; the c. name uses the placement nearest the transcript's 3' end. VCF-style (leftmost placement, unchanged base first): chr22-28695717-AAAG-A. GRCh37 (hg19) VCF-style: chr22-29091705-AAAG-A.
Other names: c.1376_1378delTTC, p.Leu460del (NM_001005735.3); c.584_586delTTC, p.Leu196del (NM_001257387.3); c.1046_1048delTTC, p.Leu350del (NM_001349956.3); c.1160_1162delTTC, p.Leu388del (NM_145862.3); short protein forms L196del, L350del, L388del, L417del, L460del.
Identifiers: ClinVar variation 3613726 (VCV003613726.2).